The following is an entry in ClinVar:

ClinVar aggregate classification (germline): Benign/Likely benign. Review status: criteria provided, multiple submitters, no conflicts (2 of 4 stars). 8 submissions from 8 submitters: Benign (2); Likely benign (6). Last evaluated 2025-12-26.

Conditions:
Familial thoracic aortic aneurysm and aortic dissection (TAAD). Also called: Thoracic aortic aneurysms and dissections. Identifiers: Orphanet 91387, MedGen C4707243, MONDO:0019625.
Aneurysm-osteoarthritis syndrome. Also called: ANEURYSMS-OSTEOARTHRITIS SYNDROME; SMAD3-Related Loeys-Dietz Syndrome; LOEYS-DIETZ SYNDROME WITH OSTEOARTHRITIS; Loeys-Dietz syndrome, type 1C. Identifiers: Orphanet 284984, MedGen C3151087, MONDO:0013426, OMIM 613795.

Allele frequency attached by ClinVar (database versions not stated): ExAC 0.00016; 1000 Genomes Project 30x 0.00031; TOPMed 0.00036; ESP Exome Variant Server 0.00038; gnomAD 0.00038; 1000 Genomes Project 0.00040.
gnomAD v4.1: 134 of 1,614,234 alleles (0.0083%); highest among the groups gnomAD compares: African/African-American, 0.11%; 1 homozygote.

Submissions (8):

Women's Health and Genetics/Laboratory Corporation of America, LabCorp
Classification: Benign. Last evaluated: 2025-12-26. Review status: criteria provided, single submitter. Criteria: LabCorp Variant Classification Summary - May 2015. Collection method: clinical testing. Allele origin: germline.

Labcorp Genetics (formerly Invitae), Labcorp
Classification: Benign for Familial thoracic aortic aneurysm and aortic dissection. Last evaluated: 2025-12-19. Review status: criteria provided, single submitter. Criteria: Invitae Variant Classification Sherloc (09022015). Collection method: clinical testing. Allele origin: germline.

Mayo Clinic Laboratories, Mayo Clinic
Classification: Likely benign. Last evaluated: 2025-09-23. Review status: criteria provided, single submitter. Criteria: ACMG Guidelines, 2015. Collection method: clinical testing. Allele origin: germline. Observed: 3 variant alleles.
Comment: BS1, BP4, BP7

Blueprint Genetics
Classification: Likely benign. Last evaluated: 2024-10-23. Review status: criteria provided, single submitter. Criteria: ACMG Guidelines, 2015. Collection method: clinical testing. Allele origin: germline.

All of Us Research Program, National Institutes of Health
Classification: Likely benign for Aneurysm-osteoarthritis syndrome. Last evaluated: 2024-02-05. Review status: criteria provided, single submitter. Criteria: ACMG Guidelines, 2015. Collection method: clinical testing. Allele origin: germline. Inheritance: Autosomal dominant inheritance. Observed: 26 variant alleles, 26 heterozygotes.
Comment: This study involves interpretation of variants in research participants for the purpose of population health screening. Participant phenotype was not available at the time of variant classification. Additional details can be found in publication PMID: 35346344, PMCID: PMC8962531

GeneDx
Classification: Likely benign. Last evaluated: 2019-05-28. Review status: criteria provided, single submitter. Criteria: GeneDx Variant Classification Process June 2021. Collection method: clinical testing. Allele origin: germline. Affected: yes.

Color Diagnostics, LLC DBA Color Health
Classification: Likely benign for Familial thoracic aortic aneurysm and aortic dissection. Last evaluated: 2018-10-18. Review status: criteria provided, single submitter. Criteria: ACMG Guidelines, 2015. Collection method: clinical testing. Allele origin: germline.

Ambry Genetics
Classification: Likely benign for Familial thoracic aortic aneurysm and aortic dissection. Last evaluated: 2016-05-13. Review status: criteria provided, single submitter. Criteria: Ambry Variant Classification Scheme 2023. Collection method: clinical testing. Allele origin: germline.

NM_005902.4(SMAD3):c.483C>T (p.Pro161=)

Gene: SMAD3 (SMAD family member 3; plus strand). Cytogenetic location: 15q22.33.
Variant type: single nucleotide variant.
Coding change: c.483C>T on transcript NM_005902.4 (MANE Select); coding-DNA position 483, C replaced by T.
Protein change: p.Pro161=; no amino-acid change (proline 161 retained).
Molecular consequence: synonymous variant.
Genome position (GRCh38, 1-based): chr15:67,165,335, C>T. VCF-style: chr15-67165335-C-T. GRCh37 (hg19) VCF-style: chr15-67457673-C-T.
Other names: p.Pro161=; c.168C>T, p.Pro56= (NM_001145102.2); c.351C>T, p.Pro117= (NM_001145103.2).
Identifiers: ClinVar variation 387889 (VCV000387889.23), dbSNP rs202203039, ClinGen allele CA062275.
Genomic context (GRCh38, chr15:67,165,335, plus strand): 5'-ACGCCACACAGAGATCCCGGCCGAGTTCCCCCCACTGGACGACTACAGCCATTCCATCCC[C>T]GAAAACACTAACTTCCCCGCAGGCATCGAGCCCCAGAGCAATATTCCAGGTAGGCACGTG-3'
Protein context (NP_005893.1, residues 151-171): PPLDDYSHSI[Pro161=]ENTNFPAGIE